The following is an entry in ClinVar:

NM_198578.4(LRRK2):c.3955A>G (p.Ile1319Val)

Gene: LRRK2 (leucine rich repeat kinase 2; plus strand). Cytogenetic location: 12q12.
Variant type: single nucleotide variant.
Coding change: c.3955A>G on transcript NM_198578.4 (MANE Select); coding-DNA position 3955, A replaced by G.
Protein change: p.Ile1319Val; replaces isoleucine 1319 with valine.
Molecular consequence: missense variant.
Genome position (GRCh38, 1-based): chr12:40,305,962, A>G. VCF-style: chr12-40305962-A-G. GRCh37 (hg19) VCF-style: chr12-40699764-A-G.
Other names: short protein forms I1319V.
Identifiers: ClinVar variation 1736467 (VCV001736467.2), dbSNP rs2499796388, ClinGen allele CA384417423.

ClinVar aggregate classification (germline): Uncertain significance (1 of 4 stars; one submission).

Conditions:
Inborn genetic diseases. Identifiers: MedGen C0950123, MeSH D030342.

Submission:

Ambry Genetics
Classification: Uncertain significance for Inborn genetic diseases. Last evaluated: 2022-09-21. Review status: criteria provided, single submitter. Criteria: Ambry Variant Classification Scheme 2023. Collection method: clinical testing. Allele origin: germline.
Comment: The p.I1319V variant (also known as c.3955A>G), located in coding exon 28 of the LRRK2 gene, results from an A to G substitution at nucleotide position 3955. The isoleucine at codon 1319 is replaced by valine, an amino acid with highly similar properties. This amino acid position is conserved. In addition, this alteration is predicted to be tolerated by in silico analysis. Since supporting evidence is limited at this time, the clinical significance of this alteration remains unclear.